The following is an entry in ClinVar:

ClinVar aggregate classification (germline): Conflicting classifications of pathogenicity. Review status: criteria provided, conflicting classifications (1 of 4 stars). 5 submissions from 5 submitters: Uncertain significance (2); Benign (2). 1 of the submissions does not count toward it. Last evaluated 2025-12-06.

Conditions:
Familial X-linked hypophosphatemic vitamin D refractory rickets (XLHRD). Also called: HYPOPHOSPHATEMIC VITAMIN D-RESISTANT RICKETS; X-Linked Hypophosphatemia; Hypophosphatemia, vitamin D-resistant rickets; Vitamin D-resistant rickets, X-linked; Hypophosphatemic Rickets, X-Linked Dominant. Identifiers: Orphanet 89936, MedGen C0733682, MONDO:0010619, OMIM 307800.
PHEX-related disorder. Also called: PHEX-related condition.

Allele frequency attached by ClinVar (database versions not stated): gnomAD 0.00001 and 0.00003; ExAC 0.00002; TOPMed 0.00005; gnomAD exomes 0.00006; ESP Exome Variant Server 0.00009.
gnomAD v4.1: 40 of 1,207,160 alleles (0.0033%); highest among the groups gnomAD compares: South Asian, 0.0053%; no homozygotes.

Submissions (5):

Labcorp Genetics (formerly Invitae), Labcorp
Classification: Benign. Last evaluated: 2025-12-06. Review status: criteria provided, single submitter. Criteria: Invitae Variant Classification Sherloc (09022015). Collection method: clinical testing. Allele origin: germline.

Women's Health and Genetics/Laboratory Corporation of America, LabCorp
Classification: Benign. Last evaluated: 2024-05-30. Review status: criteria provided, single submitter. Criteria: LabCorp Variant Classification Summary - May 2015. Collection method: clinical testing. Allele origin: germline.
Comment: Variant summary: PHEX c.2213C>T (p.Thr738Met) results in a non-conservative amino acid change located in the Peptidase M13, C-terminal domain (IPR018497) of the encoded protein sequence. Three of five in-silico tools predict a damaging effect of the variant on protein function. The variant allele was found at a frequency of 3.3e-05 in 1207160 control chromosomes as well as in 18 hemizygotes (gnomAD 4.0.0). The observed variant frequency is higher than the estimated maximal expected allele frequency for a pathogenic variant in PHEX causing X-Linked Hypophosphatemic Rickets phenotype (2.5e-05). To our knowledge, no occurrence of c.2213C>T in individuals affected with X-Linked Hypophosphatemic Rickets and no experimental evidence demonstrating its impact on protein function have been reported. ClinVar contains an entry for this variant (Variation ID: 914541). Based on the evidence outlined above, the variant was classified as benign.

Illumina Laboratory Services, Illumina
Classification: Uncertain significance for Familial X-linked hypophosphatemic vitamin D refractory rickets. Last evaluated: 2018-01-13. Review status: criteria provided, single submitter. Criteria: ICSL Variant Classification Criteria 13 December 2019. Collection method: clinical testing. Allele origin: germline.

Breakthrough Genomics
Classification: Uncertain significance. Review status: criteria provided, single submitter. Criteria: ACMG Guidelines, 2015. Collection method: not provided. Allele origin: germline. Inheritance: X-linked dominant inheritance. Affected: yes.

PreventionGenetics, part of Exact Sciences
Classification: Likely benign for PHEX-related condition. Last evaluated: 2024-03-27. Review status: no assertion criteria provided. Collection method: clinical testing. Allele origin: germline. Not counted in ClinVar's aggregate classification.
Comment: This variant is classified as likely benign based on ACMG/AMP sequence variant interpretation guidelines (Richards et al. 2015 PMID: 25741868, with internal and published modifications).

NM_000444.6(PHEX):c.2213C>T (p.Thr738Met)

Genes: PHEX (phosphate regulating endopeptidase X-linked; plus strand), PTCHD1-AS (PTCHD1 and PHEX antisense RNA; minus strand). Cytogenetic location: Xp22.11.
Variant type: single nucleotide variant.
Coding change: c.2213C>T on transcript NM_000444.6 (MANE Select); coding-DNA position 2213, C replaced by T.
Protein change: p.Thr738Met; replaces threonine 738 with methionine.
Molecular consequence: missense variant. On other transcripts: 3 prime UTR variant (1).
Genome position (GRCh38, 1-based): chrX:22,247,916, C>T. VCF-style: chrX-22247916-C-T. GRCh37 (hg19) VCF-style: chrX-22266033-C-T.
Other names: c.2213C>T (NM_000444.5); c.*48C>T (NM_001282754.2); short protein forms T738M.
Identifiers: ClinVar variation 914541 (VCV000914541.11), dbSNP rs371825581, ClinGen allele CA10368468.